The following is an entry in ClinVar:

ClinVar aggregate classification (germline): Uncertain significance. Review status: criteria provided, multiple submitters, no conflicts (2 of 4 stars). 2 submissions from 2 submitters: Uncertain significance (2). Last evaluated 2025-11-08.

Conditions:
Inborn genetic diseases. Identifiers: MedGen C0950123, MeSH D030342.

Allele frequency attached by ClinVar (database versions not stated): gnomAD exomes 0.00001; TOPMed 0.00001; gnomAD 0.00001.
gnomAD v4.1: 17 of 1,614,024 alleles (0.0011%); highest among the groups gnomAD compares: Admixed American, 0.0017%; no homozygotes.

Submissions (2):

Ambry Genetics
Classification: Uncertain significance for Inborn genetic diseases. Last evaluated: 2025-11-08. Review status: criteria provided, single submitter. Criteria: Ambry Variant Classification Scheme 2023. Collection method: clinical testing. Allele origin: germline.

Labcorp Genetics (formerly Invitae), Labcorp
Classification: Uncertain significance. Last evaluated: 2022-08-17. Review status: criteria provided, single submitter. Criteria: Invitae Variant Classification Sherloc (09022015). Collection method: clinical testing. Allele origin: germline.
Comment: This sequence change replaces threonine, which is neutral and polar, with alanine, which is neutral and non-polar, at codon 1606 of the CAD protein (p.Thr1606Ala). This variant is present in population databases (no rsID available, gnomAD 0.003%). This variant has not been reported in the literature in individuals affected with CAD-related conditions. Algorithms developed to predict the effect of missense changes on protein structure and function output the following: SIFT: "Tolerated"; PolyPhen-2: "Benign"; Align-GVGD: "Class C0". The alanine amino acid residue is found in multiple mammalian species, which suggests that this missense change does not adversely affect protein function. In summary, the available evidence is currently insufficient to determine the role of this variant in disease. Therefore, it has been classified as a Variant of Uncertain Significance.

NM_004341.5(CAD):c.4816A>G (p.Thr1606Ala)

Gene: CAD (carbamoyl-phosphate synthetase 2, aspartate transcarbamylase, and dihydroorotase; plus strand). Cytogenetic location: 2p23.3.
Variant type: single nucleotide variant.
Coding change: c.4816A>G on transcript NM_004341.5 (MANE Select); coding-DNA position 4816, A replaced by G.
Protein change: p.Thr1606Ala; replaces threonine 1606 with alanine.
Molecular consequence: missense variant.
Genome position (GRCh38, 1-based): chr2:27,238,143, A>G. VCF-style: chr2-27238143-A-G. GRCh37 (hg19) VCF-style: chr2-27461011-A-G.
Other names: c.4627A>G, p.Thr1543Ala (NM_001306079.2); c.4816A>G (NM_004341.3); short protein forms T1543A, T1606A.
Identifiers: ClinVar variation 1956460 (VCV001956460.3), dbSNP rs1379037941, ClinGen allele CA346221507.